The following is an entry in ClinVar:

ClinVar aggregate classification (germline): Uncertain significance (1 of 4 stars; one submission).

Conditions:
ERCC2-related disorder. Also called: ERCC2-related disorders; ERCC2-related conditions; ERCC2-related condition. Identifiers: MedGen CN239291.

Submission:

Myriad Genetics, Inc.
Classification: Uncertain significance for ERCC2-related disorder. Last evaluated: 2025-08-06. Review status: criteria provided, single submitter. Criteria: Myriad Autosomal Dominant, Autosomal Recessive and X-Linked Classification Criteria (2023). Collection method: clinical testing. Allele origin: unknown.
Comment: NM_000400.3(ERCC2):c.1892G>T(R631L) is a missense variant classified as a variant of uncertain significance in the context of ERCC2-related disorders. R631L has not been observed in cases with relevant disease. Relevant functional assessments of this variant are not available in the literature. R631L has been observed in referenced population frequency databases. In summary, there is insufficient evidence to classify NM_000400.3(ERCC2):c.1892G>T(R631L) as pathogenic or benign. Please note: this variant was assessed in the context of healthy population screening.

NM_000400.4(ERCC2):c.1892G>T (p.Arg631Leu)

Gene: ERCC2 (ERCC excision repair 2, TFIIH core complex helicase subunit; minus strand). Cytogenetic location: 19q13.32.
Variant type: single nucleotide variant.
Coding change: c.1892G>T on transcript NM_000400.4 (MANE Select); coding-DNA position 1892, G replaced by T.
Protein change: p.Arg631Leu; replaces arginine 631 with leucine.
Molecular consequence: missense variant. On other transcripts: non-coding transcript variant (3).
Genome position (GRCh38, 1-based): chr19:45,352,756, C>A on the plus strand (G>T on the coding strand, the complement: ERCC2 is on the minus strand). VCF-style: chr19-45352756-C-A. GRCh37 (hg19) VCF-style: chr19-45856014-C-A.
Other names: c.1820G>T, p.Arg607Leu (NM_001440355.1); c.1814G>T, p.Arg605Leu (NM_001440356.1); c.1769G>T, p.Arg590Leu (NM_001440357.1); short protein forms R590L, R605L, R607L, R631L.
Identifiers: ClinVar variation 5003955 (VCV005003955.1).